The following is an entry in ClinVar:

NM_005334.3(HCFC1):c.2144C>T (p.Pro715Leu)

Gene: HCFC1 (host cell factor C1; minus strand). Cytogenetic location: Xq28.
Variant type: single nucleotide variant.
Coding change: c.2144C>T on transcript NM_005334.3 (MANE Select); coding-DNA position 2144, C replaced by T.
Protein change: p.Pro715Leu; replaces proline 715 with leucine.
Molecular consequence: missense variant.
Genome position (GRCh38, 1-based): chrX:153,957,523, G>A on the plus strand (C>T on the coding strand, the complement: HCFC1 is on the minus strand). VCF-style: chrX-153957523-G-A. GRCh37 (hg19) VCF-style: chrX-153222974-G-A.
Other names: short protein forms P715L.
Identifiers: ClinVar variation 451149 (VCV000451149.2), dbSNP rs1557115452, ClinGen allele CA415132297.

ClinVar aggregate classification (germline): Uncertain significance (1 of 4 stars; one submission).

Submission:

GeneDx
Classification: Uncertain significance. Last evaluated: 2017-08-21. Review status: criteria provided, single submitter. Criteria: GeneDx Variant Classification (06012015). Collection method: clinical testing. Allele origin: germline. Affected: yes.
Comment: The P715L variant has not been published as a pathogenic variant, nor has it been reported as a benign variant to our knowledge. The P715L variant is not observed in large population cohorts (Lek et al., 2016; 1000 Genomes Consortium et al., 2015; Exome Variant Server). The P715L variant is a semi-conservative amino acid substitution, which may impact secondary protein structure as these residues differ in some properties. This substitution occurs at a position that is conserved across species. In silico analysis predicts this variant is probably damaging to the protein structure/function. In summary, based on the currently available information, it is unclear whether this variant is a pathogenic variant or a rare benign variant.